The following is an entry in ClinVar:

NM_000256.3(MYBPC3):c.3331-1G>A

Gene: MYBPC3 (myosin binding protein C3; minus strand). Cytogenetic location: 11p11.2.
Variant type: single nucleotide variant.
Coding change: c.3331-1G>A on transcript NM_000256.3 (MANE Select); the canonical splice acceptor site of the intron before coding-DNA position 3331, G replaced by A.
Molecular consequence: splice acceptor variant.
Genome position (GRCh38, 1-based): chr11:47,332,974, C>T on the plus strand (G>A on the coding strand, the complement: MYBPC3 is on the minus strand). VCF-style: chr11-47332974-C-T. GRCh37 (hg19) VCF-style: chr11-47354525-C-T.
Identifiers: ClinVar variation 177742 (VCV000177742.16), dbSNP rs727504305, ClinGen allele CA013982.

ClinVar aggregate classification (germline): Pathogenic/Likely pathogenic. Review status: criteria provided, multiple submitters, no conflicts (2 of 4 stars). 4 submissions from 4 submitters: Pathogenic (3); Likely pathogenic (1). Last evaluated 2024-10-02.

Conditions:
Cardiovascular phenotype. Identifiers: MedGen CN230736.
MYBPC3-related disorder. Also called: MYBPC3-related disorders; MYBPC3-related condition; MYBPC3-related disease.
Hypertrophic cardiomyopathy. Also called: HYPERTROPHIC MYOCARDIOPATHY. Identifiers: Orphanet 217569, MedGen C0007194, MeSH D002312, MONDO:0005045, HP:0001639.

Allele frequency attached by ClinVar (database versions not stated): gnomAD exomes below 0.00001.
gnomAD v4.1: 1 of 1,608,470 alleles (0.000062%); highest among the groups gnomAD compares: Non-Finnish European, 0.000085%; no homozygotes.

Submissions (4):

Labcorp Genetics (formerly Invitae), Labcorp
Classification: Likely pathogenic for Hypertrophic cardiomyopathy. Last evaluated: 2024-10-02. Review status: criteria provided, single submitter. Criteria: Invitae Variant Classification Sherloc (09022015). Collection method: clinical testing. Allele origin: germline.
Comment: This sequence change affects an acceptor splice site in intron 30 of the MYBPC3 gene. It is expected to disrupt RNA splicing. Variants that disrupt the donor or acceptor splice site typically lead to a loss of protein function (PMID: 16199547), and loss-of-function variants in MYBPC3 are known to be pathogenic (PMID: 19574547). This variant is not present in population databases (gnomAD no frequency). Disruption of this splice site has been observed in individual(s) with hypertrophic cardiomyopathy (PMID: 27532257, 27600940, 28640247, 34076677). ClinVar contains an entry for this variant (Variation ID: 177742). Algorithms developed to predict the effect of sequence changes on RNA splicing suggest that this variant may disrupt the consensus splice site. In summary, the currently available evidence indicates that the variant is pathogenic, but additional data are needed to prove that conclusively. Therefore, this variant has been classified as Likely Pathogenic.

Ambry Genetics
Classification: Pathogenic for Cardiovascular phenotype. Last evaluated: 2024-05-13. Review status: criteria provided, single submitter. Criteria: Ambry Variant Classification Scheme 2023. Collection method: clinical testing. Allele origin: germline.
Comment: The c.3331-1G>A intronic pathogenic mutation results from a G to A substitution one nucleotide before coding exon 31 of the MYBPC3 gene. This variant is considered to be rare based on population cohorts in the Genome Aggregation Database (gnomAD). This nucleotide position is highly conserved in available vertebrate species. In silico splice site analysis predicts that this alteration will weaken the native splice acceptor site and will result in the creation or strengthening of a novel splice acceptor site. Alterations that disrupt the canonical splice site are expected to cause aberrant splicing, resulting in an abnormal protein or a transcript that is subject to nonsense-mediated mRNA decay. Based on the supporting evidence, this variant is interpreted as a disease-causing mutation.

Blueprint Genetics
Classification: Pathogenic for MYBPC3-related disorders. Last evaluated: 2020-10-08. Review status: criteria provided, single submitter. Criteria: ACMG Guidelines, 2015. Collection method: clinical testing. Allele origin: germline. Affected: yes. Observed: 1 variant allele.

Laboratory for Molecular Medicine, Mass General Brigham Personalized Medicine
Classification: Pathogenic for Hypertrophic cardiomyopathy. Last evaluated: 2013-08-29. Review status: criteria provided, single submitter. Criteria: LMM Criteria. Collection method: clinical testing. Allele origin: germline. Inheritance: Autosomal dominant inheritance. Observed: 2 variant alleles.
Comment: Data from large population studies is insufficient to assess the frequency of this variant. This variant occurs in the invariant region (+/- 1,2 ) of the splice consensus sequence and is predicted to cause altered splicing le ading to an abnormal or absent protein. Truncating variants in MYBPC3 are establ ished as pathogenic for HCM. In summary, this variant meets our criteria to be c lassified as pathogenic.

Literature cited by the submitters: PubMed 16199547 (cited by Labcorp Genetics (formerly Invitae), Labcorp); PubMed 19574547 (cited by Labcorp Genetics (formerly Invitae), Labcorp); PubMed 27532257 (cited by Labcorp Genetics (formerly Invitae), Labcorp); PubMed 27600940 (cited by Labcorp Genetics (formerly Invitae), Labcorp); PubMed 28640247 (cited by Labcorp Genetics (formerly Invitae), Labcorp); PubMed 34076677 (cited by Labcorp Genetics (formerly Invitae), Labcorp).